The following is an entry in ClinVar:

NM_001040142.2(SCN2A):c.193A>G (p.Ile65Val)

Gene: SCN2A (sodium voltage-gated channel alpha subunit 2; plus strand). Cytogenetic location: 2q24.3.
Variant type: single nucleotide variant.
Coding change: c.193A>G on transcript NM_001040142.2 (MANE Select); coding-DNA position 193, A replaced by G.
Protein change: p.Ile65Val; replaces isoleucine 65 with valine.
Molecular consequence: missense variant.
Genome position (GRCh38, 1-based): chr2:165,296,016, A>G. VCF-style: chr2-165296016-A-G. GRCh37 (hg19) VCF-style: chr2-166152526-A-G.
Other names: c.193A>G, p.Ile65Val (NM_021007.3, NM_001040143.2, NM_001371246.1 and 1 more transcripts); short protein forms I65V.
Identifiers: ClinVar variation 4845379 (VCV004845379.1).

ClinVar aggregate classification (germline): Uncertain significance (1 of 4 stars; one submission).

Conditions:
Seizures, benign familial infantile, 3 (BFIS3). Also called: CONVULSIONS, BENIGN FAMILIAL INFANTILE, 3; Familial neonatal seizures. Identifiers: Orphanet 140927, Orphanet 306, MedGen C1843140, MONDO:0011904, OMIM 607745.

gnomAD v4.1: 1 of 1,614,154 alleles (0.000062%); highest among the groups gnomAD compares: Non-Finnish European, 0.000085%; no homozygotes.

Submission:

Institute of Human Genetics, University of Leipzig Medical Center
Classification: Uncertain significance for Seizures, benign familial infantile, 3. Last evaluated: 2026-03-26. Review status: criteria provided, single submitter. Criteria: ACMG Guidelines, 2015. Collection method: clinical testing. Allele origin: unknown. Inheritance: Autosomal dominant inheritance. Affected: yes.
Comment: Criteria applied: PM2,PP3